The following is an entry in ClinVar:

ClinVar aggregate classification (germline): Uncertain significance (1 of 4 stars; one submission).

Submission:

GeneDx
Classification: Uncertain significance. Last evaluated: 2025-05-28. Review status: criteria provided, single submitter. Criteria: GeneDx Variant Classification Process June 2021. Collection method: clinical testing. Allele origin: germline. Affected: yes.
Comment: Not observed at significant frequency in large population cohorts (gnomAD); In silico analysis suggests that this missense variant does not alter protein structure/function; Has not been previously published as pathogenic or benign to our knowledge

NM_003476.5(CSRP3):c.563A>G (p.Gln188Arg)

Gene: CSRP3 (cysteine and glycine rich protein 3; minus strand). Cytogenetic location: 11p15.1.
Variant type: single nucleotide variant.
Coding change: c.563A>G on transcript NM_003476.5 (MANE Select); coding-DNA position 563, A replaced by G.
Protein change: p.Gln188Arg; replaces glutamine 188 with arginine.
Molecular consequence: missense variant.
Genome position (GRCh38, 1-based): chr11:19,182,692, T>C on the plus strand (A>G on the coding strand, the complement: CSRP3 is on the minus strand). VCF-style: chr11-19182692-T-C. GRCh37 (hg19) VCF-style: chr11-19204239-T-C.
Other names: c.394A>G, p.Asn132Asp (NM_001369404.1); short protein forms N132D, Q188R.
Identifiers: ClinVar variation 4532705 (VCV004532705.1).